The following is an entry in ClinVar:

ClinVar aggregate classification (germline): Conflicting classifications of pathogenicity. Review status: criteria provided, conflicting classifications (1 of 4 stars). 4 submissions from 4 submitters: Uncertain significance (3); Likely benign (1). Last evaluated 2024-02-13.

Conditions:
Inborn genetic diseases. Identifiers: MedGen C0950123, MeSH D030342.
Immunodeficiency 23 (IMD23). Also called: IMMUNODEFICIENCY WITH HYPER IgE AND COGNITIVE IMPAIRMENT; IMMUNODEFICIENCY-VASCULITIS-MYOCLONUS SYNDROME. Identifiers: Orphanet 443811, MedGen C4014371, MONDO:0014353, OMIM 615816.

Allele frequency attached by ClinVar (database versions not stated): gnomAD 0.00004; TOPMed 0.00004; ExAC 0.00007; ESP Exome Variant Server 0.00023.
gnomAD v4.1: 99 of 1,612,872 alleles (0.0061%); highest among the groups gnomAD compares: Non-Finnish European, 0.0081%; no homozygotes.

Submissions (4):

Ambry Genetics
Classification: Uncertain significance for Inborn genetic diseases. Last evaluated: 2024-02-13. Review status: criteria provided, single submitter. Criteria: Ambry Variant Classification Scheme 2023. Collection method: clinical testing. Allele origin: germline.

CeGaT Center for Human Genetics Tuebingen
Classification: Likely benign. Last evaluated: 2022-10-01. Review status: criteria provided, single submitter. Criteria: CeGaT Center For Human Genetics Tuebingen Variant Classification Criteria Version 2. Collection method: clinical testing. Allele origin: germline. Affected: yes. Observed: 1 variant allele.
Comment: PGM3: BP4

Labcorp Genetics (formerly Invitae), Labcorp
Classification: Uncertain significance for Immunodeficiency 23. Last evaluated: 2022-06-22. Review status: criteria provided, single submitter. Criteria: Invitae Variant Classification Sherloc (09022015). Collection method: clinical testing. Allele origin: germline.
Comment: This sequence change replaces histidine, which is basic and polar, with glutamine, which is neutral and polar, at codon 546 of the PGM3 protein (p.His546Gln). This variant is present in population databases (rs375523747, gnomAD 0.01%). This variant has not been reported in the literature in individuals affected with PGM3-related conditions. Algorithms developed to predict the effect of missense changes on protein structure and function (SIFT, PolyPhen-2, Align-GVGD) all suggest that this variant is likely to be tolerated. In summary, the available evidence is currently insufficient to determine the role of this variant in disease. Therefore, it has been classified as a Variant of Uncertain Significance.

Revvity Omics, Revvity
Classification: Uncertain significance for Immunodeficiency 23. Last evaluated: 2021-06-11. Review status: criteria provided, single submitter. Criteria: ACMG Guidelines, 2015. Collection method: clinical testing. Allele origin: germline.

NM_015599.3(PGM3):c.1554C>A (p.His518Gln)

Genes: DOP1A (DOP1 leucine zipper like protein A; plus strand), PGM3 (phosphoglucomutase 3; minus strand). Cytogenetic location: 6q14.1.
Variant type: single nucleotide variant.
Coding change: c.1554C>A on transcript NM_015599.3 (MANE Select); coding-DNA position 1554, C replaced by A.
Protein change: p.His518Gln; replaces histidine 518 with glutamine.
Molecular consequence: missense variant. On other transcripts: non-coding transcript variant (1).
Genome position (GRCh38, 1-based): chr6:83,169,309, G>T on the plus strand (C>A on the coding strand, the complement: PGM3 is on the minus strand). VCF-style: chr6-83169309-G-T. GRCh37 (hg19) VCF-style: chr6-83879028-G-T.
Other names: c.1638C>A (NM_001199917.1); c.1638C>A, p.His546Gln (NM_001199917.2, NM_001367287.1); c.1315C>A, p.Pro439Thr (NM_001199918.2); c.1554C>A, p.His518Gln (NM_001199919.2); c.1431C>A, p.His477Gln (NM_001367286.1); short protein forms H518Q, P439T, H477Q, H546Q.
Identifiers: ClinVar variation 1347786 (VCV001347786.30), dbSNP rs375523747, ClinGen allele CA3906474.